The following is an entry in ClinVar:

NM_001375524.1(TRRAP):c.8085C>G (p.Ile2695Met)

Gene: TRRAP (transformation/transcription domain associated protein; plus strand). Cytogenetic location: 7q22.1.
Variant type: single nucleotide variant.
Coding change: c.8085C>G on transcript NM_001375524.1 (MANE Select); coding-DNA position 8085, C replaced by G.
Protein change: p.Ile2695Met; replaces isoleucine 2695 with methionine.
Molecular consequence: missense variant.
Genome position (GRCh38, 1-based): chr7:98,976,608, C>G. VCF-style: chr7-98976608-C-G. GRCh37 (hg19) VCF-style: chr7-98574231-C-G.
Other names: c.8064C>G, p.Ile2688Met (NM_001244580.2); c.8010C>G, p.Ile2670Met (NM_003496.4); c.8064C>G (NM_001244580.1); short protein forms I2688M, I2695M, I2670M.
Identifiers: ClinVar variation 3638175 (VCV003638175.3).

ClinVar aggregate classification (germline): Uncertain significance. Review status: criteria provided, multiple submitters, no conflicts (2 of 4 stars). 2 submissions from 2 submitters: Uncertain significance (2). Last evaluated 2025-09-10.

Conditions:
Inborn genetic diseases. Identifiers: MedGen C0950123, MeSH D030342.

gnomAD v4.1: 5 of 1,614,236 alleles (0.00031%); highest among the groups gnomAD compares: Non-Finnish European, 0.00042%; no homozygotes.

Submissions (2):

Ambry Genetics
Classification: Uncertain significance for Inborn genetic diseases. Last evaluated: 2025-09-10. Review status: criteria provided, single submitter. Criteria: Ambry Variant Classification Scheme 2023. Collection method: clinical testing. Allele origin: germline.

Labcorp Genetics (formerly Invitae), Labcorp
Classification: Uncertain significance. Last evaluated: 2025-03-17. Review status: criteria provided, single submitter. Criteria: Invitae Variant Classification Sherloc (09022015). Collection method: clinical testing. Allele origin: germline.
Comment: This sequence change replaces isoleucine, which is neutral and non-polar, with methionine, which is neutral and non-polar, at codon 2670 of the TRRAP protein (p.Ile2670Met). This variant is present in population databases (rs752332206, gnomAD 0.002%). This variant has not been reported in the literature in individuals affected with TRRAP-related conditions. Invitae Evidence Modeling of protein sequence and biophysical properties (such as structural, functional, and spatial information, amino acid conservation, physicochemical variation, residue mobility, and thermodynamic stability) indicates that this missense variant is not expected to disrupt TRRAP protein function with a negative predictive value of 80%. In summary, the available evidence is currently insufficient to determine the role of this variant in disease. Therefore, it has been classified as a Variant of Uncertain Significance.